The following is an entry in ClinVar:

NM_015631.6(TCTN3):c.1279A>G (p.Ile427Val)

Gene: TCTN3 (tectonic family member 3; minus strand). Cytogenetic location: 10q24.1.
Variant type: single nucleotide variant.
Coding change: c.1279A>G on transcript NM_015631.6 (MANE Select); coding-DNA position 1279, A replaced by G.
Protein change: p.Ile427Val; replaces isoleucine 427 with valine.
Molecular consequence: missense variant.
Genome position (GRCh38, 1-based): chr10:95,683,120, T>C on the plus strand (A>G on the coding strand, the complement: TCTN3 is on the minus strand). VCF-style: chr10-95683120-T-C. GRCh37 (hg19) VCF-style: chr10-97442877-T-C.
Other names: c.835A>G, p.Ile279Val (NM_001143973.2); short protein forms I279V, I427V.
Identifiers: ClinVar variation 1426277 (VCV001426277.9), dbSNP rs142986132, ClinGen allele CA5620882.

ClinVar aggregate classification (germline): Uncertain significance (1 of 4 stars; one submission).

Conditions:
Joubert syndrome 18 (JBTS18). Identifiers: Orphanet 2754, MedGen C3553758, MONDO:0013896, OMIM 614815.
Orofacial-digital syndrome IV (OFD4). Also called: Orofaciodigital syndrome IV; BARAITSER-BURN SYNDROME; MOHR-MAJEWSKI SYNDROME; OFD SYNDROME WITH TIBIAL DEFECTS; OFD SYNDROME, BARAITSER-BURN TYPE; OFDS IV. Identifiers: Orphanet 2753, MedGen C0406727, MONDO:0009794, OMIM 258860.

Allele frequency attached by ClinVar (database versions not stated): ExAC 0.00001; gnomAD exomes 0.00001; TOPMed 0.00002; ESP Exome Variant Server 0.00008.
gnomAD v4.1: 9 of 1,614,034 alleles (0.00056%); highest among the groups gnomAD compares: South Asian, 0.0077%; no homozygotes.

Submission:

Labcorp Genetics (formerly Invitae), Labcorp
Classification: Uncertain significance for Joubert syndrome 18; Orofacial-digital syndrome IV. Last evaluated: 2022-07-12. Review status: criteria provided, single submitter. Criteria: Invitae Variant Classification Sherloc (09022015). Collection method: clinical testing. Allele origin: germline.
Comment: In summary, the available evidence is currently insufficient to determine the role of this variant in disease. Therefore, it has been classified as a Variant of Uncertain Significance. Algorithms developed to predict the effect of missense changes on protein structure and function output the following: SIFT: "Tolerated"; PolyPhen-2: "Benign"; Align-GVGD: "Class C0". The valine amino acid residue is found in multiple mammalian species, which suggests that this missense change does not adversely affect protein function. ClinVar contains an entry for this variant (Variation ID: 1426277). This variant has not been reported in the literature in individuals affected with TCTN3-related conditions. This variant is present in population databases (rs142986132, gnomAD 0.003%). This sequence change replaces isoleucine, which is neutral and non-polar, with valine, which is neutral and non-polar, at codon 427 of the TCTN3 protein (p.Ile427Val).